The following is an entry in ClinVar:

ClinVar aggregate classification (germline): Uncertain significance. Review status: criteria provided, multiple submitters, no conflicts (2 of 4 stars). 5 submissions from 5 submitters: Uncertain significance (4). 1 of the submissions does not count toward it. Last evaluated 2024-12-11.

Conditions:
Nemaline myopathy 2 (NEM2). Also called: Nemaline myopathy 2, autosomal recessive. Identifiers: MedGen C1850569, MONDO:0009725, OMIM 256030.
Inborn genetic diseases. Identifiers: MedGen C0950123, MeSH D030342.
Arthrogryposis multiplex congenita 6. Identifiers: MedGen C5543431, MONDO:0030281, OMIM 619334.

Allele frequency attached by ClinVar (database versions not stated): ExAC 0.00001; gnomAD 0.00001; gnomAD exomes 0.00001.
gnomAD v4.1: 11 of 1,612,692 alleles (0.00068%); highest among the groups gnomAD compares: Middle Eastern, 0.082%; no homozygotes.

Submissions (5):

Revvity Omics, Revvity
Classification: Uncertain significance. Last evaluated: 2024-12-11. Review status: criteria provided, single submitter. Criteria: ACMG Guidelines, 2015. Collection method: clinical testing. Allele origin: germline.

Ambry Genetics
Classification: Uncertain significance for Inborn genetic diseases. Last evaluated: 2024-10-29. Review status: criteria provided, single submitter. Criteria: Ambry Variant Classification Scheme 2023. Collection method: clinical testing. Allele origin: germline.

Labcorp Genetics (formerly Invitae), Labcorp
Classification: Uncertain significance for Nemaline myopathy 2. Last evaluated: 2024-08-31. Review status: criteria provided, single submitter. Criteria: Invitae Variant Classification Sherloc (09022015). Collection method: clinical testing. Allele origin: germline.
Comment: This sequence change replaces tyrosine, which is neutral and polar, with cysteine, which is neutral and slightly polar, at codon 2798 of the NEB protein (p.Tyr2798Cys). This variant is present in population databases (rs750799792, gnomAD 0.002%). This variant has not been reported in the literature in individuals affected with NEB-related conditions. ClinVar contains an entry for this variant (Variation ID: 639485). Experimental studies and prediction algorithms are not available or were not evaluated, and the functional significance of this variant is currently unknown. In summary, the available evidence is currently insufficient to determine the role of this variant in disease. Therefore, it has been classified as a Variant of Uncertain Significance.

Department of Pathology and Laboratory Medicine, Sinai Health System
Classification: Uncertain significance for Nemaline myopathy 2; Arthrogryposis multiplex congenita 6. Last evaluated: 2021-08-09. Review status: criteria provided, single submitter. Criteria: ACMG Guidelines, 2015. Collection method: research. Allele origin: germline.

Natera, Inc.
Classification: Uncertain significance for Nemaline myopathy type 2. Last evaluated: 2021-01-12. Review status: no assertion criteria provided. Collection method: clinical testing. Allele origin: germline. Not counted in ClinVar's aggregate classification.

NM_001164508.2(NEB):c.8393A>G (p.Tyr2798Cys)

Gene: NEB (nebulin; minus strand). Cytogenetic location: 2q23.3.
Variant type: single nucleotide variant.
Coding change: c.8393A>G on transcript NM_001164508.2 (MANE Select); coding-DNA position 8393, A replaced by G.
Protein change: p.Tyr2798Cys; replaces tyrosine 2798 with cysteine.
Molecular consequence: missense variant.
Genome position (GRCh38, 1-based): chr2:151,640,647, T>C on the plus strand (A>G on the coding strand, the complement: NEB is on the minus strand). VCF-style: chr2-151640647-T-C. GRCh37 (hg19) VCF-style: chr2-152497161-T-C.
Other names: c.8393A>G (NM_004543.4); c.8393A>G, p.Tyr2798Cys (NM_001164507.2, NM_001271208.2, NM_004543.5); short protein forms Y2798C.
Identifiers: ClinVar variation 639485 (VCV000639485.13), dbSNP rs750799792, ClinGen allele CA1909595.